The following is an entry in ClinVar:

ClinVar aggregate classification (germline): Uncertain significance (1 of 4 stars; one submission).

Allele frequency attached by ClinVar (database versions not stated): gnomAD exomes below 0.00001; gnomAD 0.00005; TOPMed 0.00005; ExAC 0.00002.
gnomAD v4.1: 15 of 1,613,820 alleles (0.00093%); highest among the groups gnomAD compares: African/African-American, 0.017%; no homozygotes.

Submission:

Labcorp Genetics (formerly Invitae), Labcorp
Classification: Uncertain significance. Last evaluated: 2025-07-22. Review status: criteria provided, single submitter. Criteria: Invitae Variant Classification Sherloc (09022015). Collection method: clinical testing. Allele origin: germline.
Comment: This sequence change replaces leucine, which is neutral and non-polar, with valine, which is neutral and non-polar, at codon 874 of the MYH3 protein (p.Leu874Val). This variant is present in population databases (rs781144528, gnomAD 0.03%). This variant has not been reported in the literature in individuals affected with MYH3-related conditions. ClinVar contains an entry for this variant (Variation ID: 2875862). Invitae Evidence Modeling of protein sequence and biophysical properties (such as structural, functional, and spatial information, amino acid conservation, physicochemical variation, residue mobility, and thermodynamic stability) indicates that this missense variant is not expected to disrupt MYH3 protein function with a negative predictive value of 95%. In summary, the available evidence is currently insufficient to determine the role of this variant in disease. Therefore, it has been classified as a Variant of Uncertain Significance.

NM_002470.4(MYH3):c.2620C>G (p.Leu874Val)

Gene: MYH3 (myosin heavy chain 3; minus strand). Cytogenetic location: 17p13.1.
Variant type: single nucleotide variant.
Coding change: c.2620C>G on transcript NM_002470.4 (MANE Select); coding-DNA position 2620, C replaced by G.
Protein change: p.Leu874Val; replaces leucine 874 with valine.
Molecular consequence: missense variant.
Genome position (GRCh38, 1-based): chr17:10,640,058, G>C on the plus strand (C>G on the coding strand, the complement: MYH3 is on the minus strand). VCF-style: chr17-10640058-G-C. GRCh37 (hg19) VCF-style: chr17-10543375-G-C.
Other names: short protein forms L874V.
Identifiers: ClinVar variation 2875862 (VCV002875862.3), dbSNP rs781144528, ClinGen allele CA8392732.
Genomic context (GRCh38, chr17:10,640,058, plus strand): 5'-CTTGTACTTGGAGCTGCAGGTCATTCTTCTCTTGGACCAGAGTCACCAGTTTTTCCTCTA[G>C]CTCCTTCCTTTTTGCCTCCGACTTGGCGAGTTCATCTTTGGTTTTCTGGAATTCTTCCTT-3'
Protein context (NP_002461.2, residues 864-884): LAKSEAKRKE[Leu874Val]EEKLVTLVQE